The following is an entry in ClinVar:

ClinVar aggregate classification (germline): Uncertain significance (1 of 4 stars; one submission).

Conditions:
Hereditary cancer-predisposing syndrome. Also called: Hereditary neoplastic syndrome; Neoplastic Syndromes, Hereditary; Tumor predisposition; Hereditary Cancer Syndrome. Identifiers: Orphanet 140162, MedGen C0027672, MeSH D009386, MONDO:0015356.

Submission:

Ambry Genetics
Classification: Uncertain significance for Hereditary cancer-predisposing syndrome. Last evaluated: 2025-01-13. Review status: criteria provided, single submitter. Criteria: Ambry Variant Classification Scheme 2023. Collection method: clinical testing. Allele origin: germline.
Comment: The p.S53R variant (also known as c.157A>C), located in coding exon 1 of the ALK gene, results from an A to C substitution at nucleotide position 157. The serine at codon 53 is replaced by arginine, an amino acid with dissimilar properties. This amino acid position is conserved. In addition, the in silico prediction for this alteration is inconclusive. Based on the available evidence, the clinical significance of this variant remains unclear.

NM_004304.5(ALK):c.157A>C (p.Ser53Arg)

Gene: ALK (ALK receptor tyrosine kinase; minus strand). Cytogenetic location: 2p23.1.
Variant type: single nucleotide variant.
Coding change: c.157A>C on transcript NM_004304.5 (MANE Select); coding-DNA position 157, A replaced by C.
Protein change: p.Ser53Arg; replaces serine 53 with arginine.
Molecular consequence: missense variant.
Genome position (GRCh38, 1-based): chr2:29,920,503, T>G on the plus strand (A>C on the coding strand, the complement: ALK is on the minus strand). VCF-style: chr2-29920503-T-G. GRCh37 (hg19) VCF-style: chr2-30143369-T-G.
Other names: short protein forms S53R.
Identifiers: ClinVar variation 3855358 (VCV003855358.1).
Genomic context (GRCh38, chr2:29,920,503, plus strand): 5'-GCAGTAGGTCCCGGGCGTAGACACGGAAGAGCGAGGGCACCACGAAGTCAACTGCCAGAC[T>G]CTTCCTCTGCAGGCGCGAGTAGCTGAGTGGCTCCCGGGGCTGCAGCGGCGGCCCCGCAGC-3'
Protein context (NP_004295.2, residues 43-63): PLSYSRLQRK[Ser53Arg]LAVDFVVPSL